The following is an entry in ClinVar:

ClinVar aggregate classification (germline): Pathogenic (1 of 4 stars; one submission).

Submission:

GeneDx
Classification: Pathogenic. Last evaluated: 2020-03-29. Review status: criteria provided, single submitter. Criteria: GeneDx Variant Classification Process June 2021. Collection method: clinical testing. Allele origin: germline. Affected: yes.
Comment: Nonsense variant in the C-terminus predicted to result in protein truncation, as the last 647amino acids are lost, and other loss-of-function variants have been reported downstream in the Human Gene Mutation Database (Stenson et al., 2014); Not observed in large population cohorts (Lek et al., 2016); Has not been previously published as pathogenic or benign to our knowledge

NM_019066.5(MAGEL2):c.1808C>A (p.Ser603Ter)

Gene: MAGEL2 (MAGE family member L2; minus strand). Cytogenetic location: 15q11.2.
Variant type: single nucleotide variant.
Coding change: c.1808C>A on transcript NM_019066.5 (MANE Select); coding-DNA position 1808, C replaced by A.
Protein change: p.Ser603Ter; replaces serine 603 with a stop codon.
Molecular consequence: nonsense.
Genome position (GRCh38, 1-based): chr15:23,645,935, G>T on the plus strand (C>A on the coding strand, the complement: MAGEL2 is on the minus strand). VCF-style: chr15-23645935-G-T. GRCh37 (hg19) VCF-style: chr15-23891082-G-T.
Other names: short protein forms S603*.
Identifiers: ClinVar variation 817537 (VCV000817537.2), dbSNP rs1595332731, ClinGen allele CA391333290.